The following is an entry in ClinVar:

ClinVar aggregate classification (germline): Likely pathogenic (1 of 4 stars; one submission).

Conditions:
Dilated cardiomyopathy 1G (CMD1G). Identifiers: Orphanet 154, MedGen C1858763, MONDO:0011400, OMIM 604145.
Autosomal recessive limb-girdle muscular dystrophy type 2J (LGMDR10). Also called: Limb-girdle muscular dystrophy, type 2J; MUSCULAR DYSTROPHY, LIMB-GIRDLE, AUTOSOMAL RECESSIVE 10. Identifiers: Orphanet 140922, MedGen C1837342, MONDO:0012127, OMIM 608807.

Submission:

Labcorp Genetics (formerly Invitae), Labcorp
Classification: Likely pathogenic for Dilated cardiomyopathy 1G; Autosomal recessive limb-girdle muscular dystrophy type 2J. Last evaluated: 2024-04-08. Review status: criteria provided, single submitter. Criteria: Invitae Variant Classification Sherloc (09022015). Collection method: clinical testing. Allele origin: germline.
Comment: This sequence change creates a premature translational stop signal (p.Tyr14299Leufs*4) in the TTN gene. While this is not anticipated to result in nonsense mediated decay, it is expected to create a truncated TTN protein. This variant is not present in population databases (gnomAD no frequency). This variant has not been reported in the literature in individuals affected with TTN-related conditions. This variant is located in the I band of TTN (PMID: 25589632). Truncating variants in this region have been reported in individuals affected with autosomal recessive centronuclear myopathy (PMID: 23975875, Invitae internal data). Truncating variants in this region have also been identified in individuals affected with autosomal dominant dilated cardiomyopathy and/or cardio-related conditions (PMID: 27869827, 32964742, Invitae internal data). In summary, the currently available evidence indicates that the variant is pathogenic, but additional data are needed to prove that conclusively. Therefore, this variant has been classified as Likely Pathogenic.

Literature cited by the submitters: PubMed 25589632; PubMed 23975875; PubMed 27869827; PubMed 32964742.

NM_001267550.2(TTN):c.42895dup (p.Tyr14299fs)

Gene: TTN (titin; minus strand). Cytogenetic location: 2q31.2.
Variant type: Duplication.
Coding change: c.42895dup on transcript NM_001267550.2 (MANE Select); coding-DNA position 42895, one base duplicated (T; older notation c.42895dupT).
Protein change: p.Tyr14299fs; shifts the reading frame from tyrosine 14299.
Molecular consequence: frameshift variant.
Genome position (GRCh38, 1-based): chr2:178,633,464, A duplicated on the plus strand (T on the coding strand, the reverse complement: TTN is on the minus strand). VCF-style (leftmost placement, unchanged base first): chr2-178633463-T-TA. GRCh37 (hg19) VCF-style: chr2-179498190-T-TA.
Other names: c.37972dup, p.Tyr12658fs (NM_001256850.1); c.15700dup, p.Tyr5234fs (NM_003319.4); c.35191dup, p.Tyr11731fs (NM_133378.4); c.16075dup, p.Tyr5359fs (NM_133432.3); c.16276dup, p.Tyr5426fs (NM_133437.4); short protein forms Y11731fs, Y12658fs, Y14299fs, Y5234fs, Y5359fs, Y5426fs.
Identifiers: ClinVar variation 3755757 (VCV003755757.2).